The following is an entry in ClinVar:

NM_001330078.2(NRXN1):c.2774C>T (p.Thr925Ile)

Gene: NRXN1 (neurexin 1; minus strand). Cytogenetic location: 2p16.3.
Variant type: single nucleotide variant.
Coding change: c.2774C>T on transcript NM_001330078.2 (MANE Select); coding-DNA position 2774, C replaced by T.
Protein change: p.Thr925Ile; replaces threonine 925 with isoleucine.
Molecular consequence: missense variant.
Genome position (GRCh38, 1-based): chr2:50,497,438, G>A on the plus strand (C>T on the coding strand, the complement: NRXN1 is on the minus strand). VCF-style: chr2-50497438-G-A. GRCh37 (hg19) VCF-style: chr2-50724576-G-A.
Other names: c.2894C>T, p.Thr965Ile (NM_001135659.3); c.2750C>T, p.Thr917Ile (NM_001330077.2, NM_001330082.2); c.2708C>T, p.Thr903Ile (NM_001330083.2, NM_001330084.2); c.2747C>T, p.Thr916Ile (NM_001330085.2); c.2774C>T, p.Thr925Ile (NM_001330086.2, NM_004801.6); c.2663C>T, p.Thr888Ile (NM_001330087.2, NM_001330096.2); c.2693C>T, p.Thr898Ile (NM_001330088.2); c.2771C>T, p.Thr924Ile (NM_001330093.2); and 2 more; short protein forms T965I, T898I, T921I, T925I, T888I, T916I, T903I, T908I.
Identifiers: ClinVar variation 1413153 (VCV001413153.8), dbSNP rs771259780, ClinGen allele CA1654736.

ClinVar aggregate classification (germline): Uncertain significance. Review status: criteria provided, multiple submitters, no conflicts (2 of 4 stars). 2 submissions from 2 submitters: Uncertain significance (2). Last evaluated 2023-11-27.

Conditions:
Pitt-Hopkins-like syndrome 2 (PTHSL2). Identifiers: Orphanet 221150, Orphanet 600663, MedGen C3280479, MONDO:0013690, OMIM 614325.
Inborn genetic diseases. Identifiers: MedGen C0950123, MeSH D030342.

Allele frequency attached by ClinVar (database versions not stated): gnomAD exomes 0.00001; TOPMed 0.00001; ExAC 0.00002.
gnomAD v4.1: 11 of 1,613,552 alleles (0.00068%); highest among the groups gnomAD compares: Admixed American, 0.0017%; no homozygotes.

Submissions (2):

Labcorp Genetics (formerly Invitae), Labcorp
Classification: Uncertain significance for Pitt-Hopkins-like syndrome 2. Last evaluated: 2023-11-27. Review status: criteria provided, single submitter. Criteria: Invitae Variant Classification Sherloc (09022015). Collection method: clinical testing. Allele origin: germline.
Comment: This sequence change replaces threonine, which is neutral and polar, with isoleucine, which is neutral and non-polar, at codon 965 of the NRXN1 protein (p.Thr965Ile). This variant is present in population databases (rs771259780, gnomAD 0.003%). This variant has not been reported in the literature in individuals affected with NRXN1-related conditions. ClinVar contains an entry for this variant (Variation ID: 1413153). An algorithm developed to predict the effect of missense changes on protein structure and function (PolyPhen-2) suggests that this variant is likely to be disruptive. In summary, the available evidence is currently insufficient to determine the role of this variant in disease. Therefore, it has been classified as a Variant of Uncertain Significance.

Ambry Genetics
Classification: Uncertain significance for Inborn genetic diseases. Last evaluated: 2022-04-12. Review status: criteria provided, single submitter. Criteria: Ambry Variant Classification Scheme 2023. Collection method: clinical testing. Allele origin: germline.
Comment: The p.T965I variant (also known as c.2894C>T), located in coding exon 14 of the NRXN1 gene, results from a C to T substitution at nucleotide position 2894. The threonine at codon 965 is replaced by isoleucine, an amino acid with similar properties. This amino acid position is well conserved in available vertebrate species. In addition, the in silico prediction for this alteration is inconclusive. Since supporting evidence is limited at this time, the clinical significance of this alteration remains unclear.